The following is an entry in ClinVar:

ClinVar aggregate classification (germline): Uncertain significance (1 of 4 stars; one submission).

Conditions:
Charcot-Marie-Tooth disease type 2. Also called: Charcot-Marie-Tooth type 2. Identifiers: Orphanet 64746, MedGen C0270914, MONDO:0018993.

Submission:

Labcorp Genetics (formerly Invitae), Labcorp
Classification: Uncertain significance for Charcot-Marie-Tooth disease type 2. Last evaluated: 2023-10-14. Review status: criteria provided, single submitter. Criteria: Invitae Variant Classification Sherloc (09022015). Collection method: clinical testing. Allele origin: germline.
Comment: This sequence change replaces glycine, which is neutral and non-polar, with aspartic acid, which is acidic and polar, at codon 592 of the MFN2 protein (p.Gly592Asp). This variant is not present in population databases (gnomAD no frequency). This variant has not been reported in the literature in individuals affected with MFN2-related conditions. ClinVar contains an entry for this variant (Variation ID: 2128882). Advanced modeling of protein sequence and biophysical properties (such as structural, functional, and spatial information, amino acid conservation, physicochemical variation, residue mobility, and thermodynamic stability) has been performed at Invitae for this missense variant, however the output from this modeling did not meet the statistical confidence thresholds required to predict the impact of this variant on MFN2 protein function. In summary, the available evidence is currently insufficient to determine the role of this variant in disease. Therefore, it has been classified as a Variant of Uncertain Significance.

NM_014874.4(MFN2):c.1775G>A (p.Gly592Asp)

Gene: MFN2 (mitofusin 2; plus strand). Cytogenetic location: 1p36.22.
Variant type: single nucleotide variant.
Coding change: c.1775G>A on transcript NM_014874.4 (MANE Select); coding-DNA position 1775, G replaced by A.
Protein change: p.Gly592Asp; replaces glycine 592 with aspartic acid.
Molecular consequence: missense variant.
Genome position (GRCh38, 1-based): chr1:12,006,596, G>A. VCF-style: chr1-12006596-G-A. GRCh37 (hg19) VCF-style: chr1-12066653-G-A.
Other names: c.1775G>A, p.Gly592Asp (NM_001127660.2); short protein forms G592D.
Identifiers: ClinVar variation 2128882 (VCV002128882.4), dbSNP rs2523094705, ClinGen allele CA338448603.
Genomic context (GRCh38, chr1:12,006,596, plus strand): 5'-AGGTCCAGCGTCCCATCCCTCTGACGCCAGCCAACCCCAGCATGCCCCCACTGCCACAGG[G>A]CTCGCTCACCCAGGAGGAGTTCATGGTTTCCATGGTTACCGGCCTGGCCTCCTTGACATC-3'
Protein context (NP_055689.1, residues 582-602): ANPSMPPLPQ[Gly592Asp]SLTQEEFMVS